The following is an entry in ClinVar:

ClinVar aggregate classification (germline): Uncertain significance. Review status: criteria provided, multiple submitters, no conflicts (2 of 4 stars). 2 submissions from 2 submitters: Uncertain significance (2). Last evaluated 2025-05-22.

Allele frequency attached by ClinVar (database versions not stated): gnomAD 0.00003; gnomAD exomes 0.00005.
gnomAD v4.1: 68 of 1,383,190 alleles (0.0049%); highest among the groups gnomAD compares: African/African-American, 0.0061%; no homozygotes.

Submissions (2):

Labcorp Genetics (formerly Invitae), Labcorp
Classification: Uncertain significance. Last evaluated: 2025-05-22. Review status: criteria provided, single submitter. Criteria: Invitae Variant Classification Sherloc (09022015). Collection method: clinical testing. Allele origin: germline.
Comment: This sequence change replaces alanine, which is neutral and non-polar, with serine, which is neutral and polar, at codon 188 of the FZD2 protein (p.Ala188Ser). This variant is present in population databases (no rsID available, gnomAD 0.007%). This variant has not been reported in the literature in individuals affected with FZD2-related conditions. ClinVar contains an entry for this variant (Variation ID: 2376886). Invitae Evidence Modeling of protein sequence and biophysical properties (such as structural, functional, and spatial information, amino acid conservation, physicochemical variation, residue mobility, and thermodynamic stability) indicates that this missense variant is not expected to disrupt FZD2 protein function with a negative predictive value of 80%. In summary, the available evidence is currently insufficient to determine the role of this variant in disease. Therefore, it has been classified as a Variant of Uncertain Significance.

Ambry Genetics
Classification: Uncertain significance. Last evaluated: 2021-11-15. Review status: criteria provided, single submitter. Criteria: Ambry Variant Classification Scheme 2023. Collection method: clinical testing. Allele origin: germline.

NM_001466.4(FZD2):c.562G>T (p.Ala188Ser)

Gene: FZD2 (frizzled class receptor 2; plus strand). Cytogenetic location: 17q21.31.
Variant type: single nucleotide variant.
Coding change: c.562G>T on transcript NM_001466.4 (MANE Select); coding-DNA position 562, G replaced by T.
Protein change: p.Ala188Ser; replaces alanine 188 with serine.
Molecular consequence: missense variant.
Genome position (GRCh38, 1-based): chr17:44,558,250, G>T. VCF-style: chr17-44558250-G-T. GRCh37 (hg19) VCF-style: chr17-42635618-G-T.
Other names: short protein forms A188S.
Identifiers: ClinVar variation 2376886 (VCV002376886.3), dbSNP rs1336876177, ClinGen allele CA399793046.